The following is an entry in ClinVar:

NM_001004127.3(ALG11):c.823A>G (p.Thr275Ala)

Gene: ALG11 (ALG11 alpha-1,2-mannosyltransferase; plus strand). Cytogenetic location: 13q14.3.
Variant type: single nucleotide variant.
Coding change: c.823A>G on transcript NM_001004127.3 (MANE Select); coding-DNA position 823, A replaced by G.
Protein change: p.Thr275Ala; replaces threonine 275 with alanine.
Molecular consequence: missense variant.
Genome position (GRCh38, 1-based): chr13:52,024,553, A>G. VCF-style: chr13-52024553-A-G. GRCh37 (hg19) VCF-style: chr13-52598689-A-G.
Other names: short protein forms T275A.
Identifiers: ClinVar variation 575356 (VCV000575356.9), dbSNP rs1401571024, ClinGen allele CA388016083.

ClinVar aggregate classification (germline): Uncertain significance. Review status: criteria provided, multiple submitters, no conflicts (2 of 4 stars). 2 submissions from 2 submitters: Uncertain significance (2). Last evaluated 2025-09-04.

Conditions:
Inborn genetic diseases. Identifiers: MedGen C0950123, MeSH D030342.
ALG11-congenital disorder of glycosylation. Also called: CONGENITAL DISORDER OF GLYCOSYLATION, TYPE Ip; ALG11-CDG. Identifiers: Orphanet 280071, MedGen C3150913, MONDO:0013349, OMIM 613661.

Allele frequency attached by ClinVar (database versions not stated): gnomAD exomes below 0.00001; TOPMed 0.00001.
gnomAD v4.1: 1 of 1,614,232 alleles (0.000062%); highest among the groups gnomAD compares: Admixed American, 0.0017%; no homozygotes.

Submissions (2):

Ambry Genetics
Classification: Uncertain significance for Inborn genetic diseases. Last evaluated: 2025-09-04. Review status: criteria provided, single submitter. Criteria: Ambry Variant Classification Scheme 2023. Collection method: clinical testing. Allele origin: germline.

Labcorp Genetics (formerly Invitae), Labcorp
Classification: Uncertain significance for ALG11-congenital disorder of glycosylation. Last evaluated: 2025-09-02. Review status: criteria provided, single submitter. Criteria: Invitae Variant Classification Sherloc (09022015). Collection method: clinical testing. Allele origin: germline.
Comment: This sequence change replaces threonine, which is neutral and polar, with alanine, which is neutral and non-polar, at codon 275 of the ALG11 protein (p.Thr275Ala). This variant is present in population databases (no rsID available, gnomAD 0.003%). This variant has not been reported in the literature in individuals affected with ALG11-related conditions. ClinVar contains an entry for this variant (Variation ID: 575356). Invitae Evidence Modeling of protein sequence and biophysical properties (such as structural, functional, and spatial information, amino acid conservation, physicochemical variation, residue mobility, and thermodynamic stability) indicates that this missense variant is not expected to disrupt ALG11 protein function with a negative predictive value of 80%. In summary, the available evidence is currently insufficient to determine the role of this variant in disease. Therefore, it has been classified as a Variant of Uncertain Significance.